The following is an entry in ClinVar:

NM_001008537.3(NEXMIF):c.1466G>A (p.Ser489Asn)

Gene: NEXMIF (neurite extension and migration factor; minus strand). Cytogenetic location: Xq13.3.
Variant type: single nucleotide variant.
Coding change: c.1466G>A on transcript NM_001008537.3 (MANE Select); coding-DNA position 1466, G replaced by A.
Protein change: p.Ser489Asn; replaces serine 489 with asparagine.
Molecular consequence: missense variant.
Genome position (GRCh38, 1-based): chrX:74,743,091, C>T on the plus strand (G>A on the coding strand, the complement: NEXMIF is on the minus strand). VCF-style: chrX-74743091-C-T. GRCh37 (hg19) VCF-style: chrX-73962926-C-T.
Other names: short protein forms S489N.
Identifiers: ClinVar variation 1426754 (VCV001426754.8), dbSNP rs760276075, ClinGen allele CA10455122.

ClinVar aggregate classification (germline): Uncertain significance (1 of 4 stars; one submission).

Allele frequency attached by ClinVar (database versions not stated): gnomAD exomes below 0.00001 and 0.00002; ExAC 0.00002.
gnomAD v4.1: 4 of 1,210,705 alleles (0.00033%); highest among the groups gnomAD compares: Admixed American, 0.0087%; no homozygotes.

Submission:

Labcorp Genetics (formerly Invitae), Labcorp
Classification: Uncertain significance. Last evaluated: 2024-12-09. Review status: criteria provided, single submitter. Criteria: Invitae Variant Classification Sherloc (09022015). Collection method: clinical testing. Allele origin: germline.
Comment: This sequence change replaces serine, which is neutral and polar, with asparagine, which is neutral and polar, at codon 489 of the NEXMIF protein (p.Ser489Asn). This variant is present in population databases (rs760276075, gnomAD 0.01%). This variant has not been reported in the literature in individuals affected with NEXMIF-related conditions. ClinVar contains an entry for this variant (Variation ID: 1426754). An algorithm developed to predict the effect of missense changes on protein structure and function (PolyPhen-2) suggests that this variant is likely to be disruptive. In summary, the available evidence is currently insufficient to determine the role of this variant in disease. Therefore, it has been classified as a Variant of Uncertain Significance.